The following is an entry in ClinVar:

ClinVar aggregate classification (germline): Uncertain significance (1 of 4 stars; one submission).

Conditions:
Giant axonal neuropathy 1 (GAN1). Also called: GIANT AXONAL NEUROPATHY 1, AUTOSOMAL RECESSIVE; GAN-Related Neurodegeneration. Identifiers: Orphanet 643, MedGen C1850386, MONDO:0009749, OMIM 256850.

Allele frequency attached by ClinVar (database versions not stated): gnomAD exomes below 0.00001.
gnomAD v4.1: 2 of 1,613,874 alleles (0.00012%); highest among the groups gnomAD compares: Admixed American, 0.0017%; no homozygotes.

Submission:

Labcorp Genetics (formerly Invitae), Labcorp
Classification: Uncertain significance for Giant axonal neuropathy 1. Last evaluated: 2022-04-03. Review status: criteria provided, single submitter. Criteria: Invitae Variant Classification Sherloc (09022015). Collection method: clinical testing. Allele origin: germline.
Comment: This variant has not been reported in the literature in individuals affected with GAN-related conditions. In summary, the available evidence is currently insufficient to determine the role of this variant in disease. Therefore, it has been classified as a Variant of Uncertain Significance. Algorithms developed to predict the effect of sequence changes on RNA splicing suggest that this variant may create or strengthen a splice site. This variant is present in population databases (no rsID available, gnomAD 0.003%). This sequence change affects codon 127 of the GAN mRNA. It is a 'silent' change, meaning that it does not change the encoded amino acid sequence of the GAN protein.

NM_022041.4(GAN):c.381C>G (p.Gly127=)

Gene: GAN (gigaxonin; plus strand). Cytogenetic location: 16q23.2.
Variant type: single nucleotide variant.
Coding change: c.381C>G on transcript NM_022041.4 (MANE Select); coding-DNA position 381, C replaced by G.
Protein change: p.Gly127=; no amino-acid change (glycine 127 retained).
Molecular consequence: synonymous variant. On other transcripts: 5 prime UTR variant (1).
Genome position (GRCh38, 1-based): chr16:81,354,503, C>G. VCF-style: chr16-81354503-C-G. GRCh37 (hg19) VCF-style: chr16-81388108-C-G.
Other names: c.-259C>G (NM_001377486.1).
Identifiers: ClinVar variation 2107922 (VCV002107922.4), dbSNP rs1355048878, ClinGen allele CA496795081.